The following is an entry in ClinVar:

ClinVar aggregate classification (germline): Uncertain significance. Review status: criteria provided, multiple submitters, no conflicts (2 of 4 stars). 3 submissions from 3 submitters: Uncertain significance (3). Last evaluated 2025-08-25.

Conditions:
Inborn genetic diseases. Identifiers: MedGen C0950123, MeSH D030342.

Allele frequency attached by ClinVar (database versions not stated): gnomAD 0.00001 and 0.00002; TOPMed 0.00002; gnomAD exomes 0.00004; ExAC 0.00006; 1000 Genomes Project 30x 0.00016; 1000 Genomes Project 0.00020.
gnomAD v4.1: 57 of 1,613,194 alleles (0.0035%); highest among the groups gnomAD compares: Middle Eastern, 0.017%; no homozygotes.

Submissions (3):

Ambry Genetics
Classification: Uncertain significance for Inborn genetic diseases. Last evaluated: 2025-08-25. Review status: criteria provided, single submitter. Criteria: Ambry Variant Classification Scheme 2023. Collection method: clinical testing. Allele origin: germline.

Labcorp Genetics (formerly Invitae), Labcorp
Classification: Uncertain significance. Last evaluated: 2024-04-23. Review status: criteria provided, single submitter. Criteria: Invitae Variant Classification Sherloc (09022015). Collection method: clinical testing. Allele origin: germline.
Comment: This sequence change replaces arginine, which is basic and polar, with cysteine, which is neutral and slightly polar, at codon 1886 of the HSPG2 protein (p.Arg1886Cys). This variant is present in population databases (rs566129415, gnomAD 0.02%). This variant has not been reported in the literature in individuals affected with HSPG2-related conditions. ClinVar contains an entry for this variant (Variation ID: 1413789). An algorithm developed to predict the effect of missense changes on protein structure and function (PolyPhen-2) suggests that this variant is likely to be disruptive. In summary, the available evidence is currently insufficient to determine the role of this variant in disease. Therefore, it has been classified as a Variant of Uncertain Significance.

Revvity Omics, Revvity
Classification: Uncertain significance. Last evaluated: 2019-06-24. Review status: criteria provided, single submitter. Criteria: ACMG Guidelines, 2015. Collection method: clinical testing. Allele origin: germline.

NM_005529.7(HSPG2):c.5656C>T (p.Arg1886Cys)

Gene: HSPG2 (heparan sulfate proteoglycan 2; minus strand). Cytogenetic location: 1p36.12.
Variant type: single nucleotide variant.
Coding change: c.5656C>T on transcript NM_005529.7 (MANE Select); coding-DNA position 5656, C replaced by T.
Protein change: p.Arg1886Cys; replaces arginine 1886 with cysteine.
Molecular consequence: missense variant.
Genome position (GRCh38, 1-based): chr1:21,855,832, G>A on the plus strand (C>T on the coding strand, the complement: HSPG2 is on the minus strand). VCF-style: chr1-21855832-G-A. GRCh37 (hg19) VCF-style: chr1-22182325-G-A.
Other names: c.5659C>T, p.Arg1887Cys (NM_001291860.2); c.5656C>T (NM_005529.5); short protein forms R1886C, R1887C.
Identifiers: ClinVar variation 1413789 (VCV001413789.9), dbSNP rs566129415, ClinGen allele CA671843.